The following is an entry in ClinVar:

NM_000478.6(ALPL):c.800A>C (p.His267Pro)

Gene: ALPL (alkaline phosphatase, biomineralization associated; plus strand). Cytogenetic location: 1p36.12.
Variant type: single nucleotide variant.
Coding change: c.800A>C on transcript NM_000478.6 (MANE Select); coding-DNA position 800, A replaced by C.
Protein change: p.His267Pro; replaces histidine 267 with proline.
Molecular consequence: missense variant.
Genome position (GRCh38, 1-based): chr1:21,570,312, A>C. VCF-style: chr1-21570312-A-C. GRCh37 (hg19) VCF-style: chr1-21896805-A-C.
Other names: c.635A>C, p.His212Pro (NM_001127501.4); c.569A>C, p.His190Pro (NM_001177520.3); c.800A>C, p.His267Pro (NM_001369803.2, NM_001369804.2, NM_001369805.2); short protein forms H190P, H212P, H267P.
Identifiers: ClinVar variation 4086831 (VCV004086831.1).
Genomic context (GRCh38, chr1:21,570,312, plus strand): 5'-CCTTCCGACTCTCCCTAGCCCCCGGCATGTGCTGACACAGCCCTTCCTCCTAGCACTCCC[A>C]CTTCATCTGGAACCGCACGGAACTCCTGACCCTTGACCCCCACAATGTGGACTACCTATT-3'
Protein context (NP_000469.3, residues 257-277): KSFKPRYKHS[His267Pro]FIWNRTELLT

ClinVar aggregate classification (germline): Uncertain significance (1 of 4 stars; one submission).

Conditions:
Hypophosphatasia. Also called: Phosphoethanol-aminuria. Identifiers: Orphanet 436, MedGen C0020630, MeSH D007014, MONDO:0018570.

Submission:

Genomenon, Inc
Classification: Uncertain significance for Hypophosphatasia. Last evaluated: 2025-08-29. Review status: criteria provided, single submitter. Criteria: Genomenon Sequence Variant Interpretation Standards. Collection method: curation. Allele origin: germline. Affected: yes.
Comment: ALPL c.800A>C is a missense variant that changes the amino acid at residue 267 from Histidine to Proline. This variant has been observed in a proband affected with hypophosphatasia (PMID:37600704). It is absent or not present at a significant frequency in gnomAD. In silico models agree that this variant is possibly or probably damaging. In conclusion, we classify ALPL p.His267Pro (c.800A>C) as a variant of unknown significance.

Literature cited by the submitters: PubMed 37600704.